The following is an entry in ClinVar:

ClinVar aggregate classification (germline): Uncertain significance (1 of 4 stars; one submission).

Submission:

GeneDx
Classification: Uncertain significance. Last evaluated: 2026-01-09. Review status: criteria provided, single submitter. Criteria: GeneDx Variant Classification Process June 2021. Collection method: clinical testing. Allele origin: germline.
Comment: Not observed at significant frequency in large population cohorts (gnomAD); In silico analysis supports that this missense variant has a deleterious effect on protein structure/function; Has not been previously published as pathogenic or benign to our knowledge

NM_000083.3(CLCN1):c.857T>G (p.Val286Gly)

Gene: CLCN1 (chloride voltage-gated channel 1; plus strand). Cytogenetic location: 7q34.
Variant type: single nucleotide variant.
Coding change: c.857T>G on transcript NM_000083.3 (MANE Select); coding-DNA position 857, T replaced by G.
Protein change: p.Val286Gly; replaces valine 286 with glycine.
Molecular consequence: missense variant. On other transcripts: non-coding transcript variant (1).
Genome position (GRCh38, 1-based): chr7:143,330,775, T>G. VCF-style: chr7-143330775-T-G. GRCh37 (hg19) VCF-style: chr7-143027868-T-G.
Other names: short protein forms V286G.
Identifiers: ClinVar variation 4538160 (VCV004538160.2).
Genomic context (GRCh38, chr7:143,330,775, plus strand): 5'-TGTGGGGGAGCACTTTCACTGCTGGCTGCCCCCAACCACACTTCTGTGCCCCTGCAGGAG[T>G]GCTATTTAGCATCGAGGTCACCTCCACCTACTTTGCTGTTCGGAACTACTGGAGAGGATT-3'
Protein context (NP_000074.3, residues 276-296): GCCFGTPLGG[Val286Gly]LFSIEVTSTY